The following is an entry in ClinVar:

NM_003235.5(TG):c.1212T>C (p.Phe404=)

Gene: TG (thyroglobulin; plus strand). Cytogenetic location: 8q24.22.
Variant type: single nucleotide variant.
Coding change: c.1212T>C on transcript NM_003235.5 (MANE Select); coding-DNA position 1212, T replaced by C.
Protein change: p.Phe404=; no amino-acid change (phenylalanine 404 retained).
Molecular consequence: synonymous variant.
Genome position (GRCh38, 1-based): chr8:132,886,584, T>C. VCF-style: chr8-132886584-T-C. GRCh37 (hg19) VCF-style: chr8-133898829-T-C.
Other names: c.1212T>C (NM_003235.4).
Identifiers: ClinVar variation 2784882 (VCV002784882.5), dbSNP rs865881144, ClinGen allele CA186283778.

ClinVar aggregate classification (germline): Likely benign. Review status: criteria provided, single submitter (1 of 4 stars). 2 submissions from 2 submitters: Likely benign (1). 1 of the submissions does not count toward it. Last evaluated 2023-05-02.

Conditions:
TG-related disorder. Also called: TG-related condition; TG-related disorders.

Allele frequency attached by ClinVar (database versions not stated): gnomAD exomes 0.00001.
gnomAD v4.1: 10 of 1,614,212 alleles (0.00062%); highest among the groups gnomAD compares: Middle Eastern, 0.033%; no homozygotes.

Submissions (2):

Labcorp Genetics (formerly Invitae), Labcorp
Classification: Likely benign. Last evaluated: 2023-05-02. Review status: criteria provided, single submitter. Criteria: Invitae Variant Classification Sherloc (09022015). Collection method: clinical testing. Allele origin: germline.

PreventionGenetics, part of Exact Sciences
Classification: Likely benign for TG-related condition. Last evaluated: 2022-07-11. Review status: no assertion criteria provided. Collection method: clinical testing. Allele origin: germline. Not counted in ClinVar's aggregate classification.
Comment: This variant is classified as likely benign based on ACMG/AMP sequence variant interpretation guidelines (Richards et al. 2015 PMID: 25741868, with internal and published modifications).